The following is an entry in ClinVar:

NM_032119.4(ADGRV1):c.16781G>A (p.Arg5594His)

Gene: ADGRV1 (adhesion G protein-coupled receptor V1; plus strand). Cytogenetic location: 5q14.3.
Variant type: single nucleotide variant.
Coding change: c.16781G>A on transcript NM_032119.4 (MANE Select); coding-DNA position 16781, G replaced by A.
Protein change: p.Arg5594His; replaces arginine 5594 with histidine.
Molecular consequence: missense variant. On other transcripts: non-coding transcript variant (1).
Genome position (GRCh38, 1-based): chr5:90,840,747, G>A. VCF-style: chr5-90840747-G-A. GRCh37 (hg19) VCF-style: chr5-90136564-G-A.
Other names: short protein forms R5594H.
Identifiers: ClinVar variation 1507935 (VCV001507935.8), dbSNP rs763649260, ClinGen allele CA3342229.
Genomic context (GRCh38, chr5:90,840,747, plus strand): 5'-GCACTGTATTGGATGTCATCCTAACGCCAGAGACAGGATCTTTAAATTCATTTCCTAAAC[G>A]CTTCCAGATTGTCCTTTTTGACCCAAAAGGTGGTGCCAGAATTGATAAAGTGTATGGGAC-3'
Protein context (NP_115495.3, residues 5584-5604): ETGSLNSFPK[Arg5594His]FQIVLFDPKG

ClinVar aggregate classification (germline): Uncertain significance (1 of 4 stars; one submission).

Allele frequency attached by ClinVar (database versions not stated): gnomAD 0.00001; gnomAD exomes 0.00001; ExAC 0.00002.
gnomAD v4.1: 7 of 1,613,804 alleles (0.00043%); highest among the groups gnomAD compares: South Asian, 0.0022%; no homozygotes.

Submission:

Labcorp Genetics (formerly Invitae), Labcorp
Classification: Uncertain significance. Last evaluated: 2025-01-15. Review status: criteria provided, single submitter. Criteria: Invitae Variant Classification Sherloc (09022015). Collection method: clinical testing. Allele origin: germline.
Comment: This sequence change replaces arginine, which is basic and polar, with histidine, which is basic and polar, at codon 5594 of the ADGRV1 protein (p.Arg5594His). This variant is present in population databases (rs763649260, gnomAD 0.007%). This variant has not been reported in the literature in individuals affected with ADGRV1-related conditions. ClinVar contains an entry for this variant (Variation ID: 1507935). Invitae Evidence Modeling of protein sequence and biophysical properties (such as structural, functional, and spatial information, amino acid conservation, physicochemical variation, residue mobility, and thermodynamic stability) indicates that this missense variant is not expected to disrupt ADGRV1 protein function with a negative predictive value of 80%. In summary, the available evidence is currently insufficient to determine the role of this variant in disease. Therefore, it has been classified as a Variant of Uncertain Significance.